The following is an entry in ClinVar:

NM_201253.3(CRB1):c.2843-13C>T

Gene: CRB1 (crumbs cell polarity complex component 1; plus strand). Cytogenetic location: 1q31.3.
Variant type: single nucleotide variant.
Coding change: c.2843-13C>T on transcript NM_201253.3 (MANE Select); 13 bases into the intron before coding-DNA position 2843, C replaced by T.
Molecular consequence: intron variant.
Genome position (GRCh38, 1-based): chr1:197,434,693, C>T. VCF-style: chr1-197434693-C-T. GRCh37 (hg19) VCF-style: chr1-197403823-C-T.
Other names: c.2771-13C>T (NM_001257965.2); c.2129-907C>T (NM_001257966.2); c.2507-13C>T (NM_001193640.2).
Identifiers: ClinVar variation 294682 (VCV000294682.14), dbSNP rs199808176, ClinGen allele CA1312233.

ClinVar aggregate classification (germline): Conflicting classifications of pathogenicity. Review status: criteria provided, conflicting classifications (1 of 4 stars). 5 submissions from 3 submitters: Uncertain significance (2); Benign (2); Likely benign (1). Last evaluated 2026-01-11.

Conditions:
Leber congenital amaurosis 8 (LCA8). Identifiers: Orphanet 65, MedGen C3151202, MONDO:0013453, OMIM 613835.
Retinitis pigmentosa 12 (RP12). Also called: RP WITH OR WITHOUT PRESERVED PARAARTERIOLE RETINAL PIGMENT EPITHELIUM; RETINITIS PIGMENTOSA WITH OR WITHOUT PARAARTERIOLAR PRESERVATION OF RETINAL PIGMENT EPITHELIUM; RP WITH OR WITHOUT PPRPE. Identifiers: Orphanet 791, MedGen C1838647, MONDO:0010818, OMIM 600105.
Retinitis pigmentosa (RP). Identifiers: Orphanet 791, MedGen C0035334, MeSH D012174, MONDO:0019200, OMIM 268000. Inheritance: Autosomal dominant, autosomal recessive and X linked inheritance.
Pigmented paravenous retinochoroidal atrophy. Identifiers: Orphanet 251295, MedGen C1868310, MONDO:0008246, OMIM 172870.

Allele frequency attached by ClinVar (database versions not stated): gnomAD exomes 0.00010 and 0.00035; ExAC 0.00040; TOPMed 0.00105; gnomAD 0.00107 and 0.00109; ESP Exome Variant Server 0.00116; 1000 Genomes Project 0.00180; 1000 Genomes Project 30x 0.00203.
gnomAD v4.1: 315 of 1,605,584 alleles (0.02%); highest among the groups gnomAD compares: African/African-American, 0.38%; no homozygotes.

Submissions (5):

Labcorp Genetics (formerly Invitae), Labcorp
Classification: Benign for Leber congenital amaurosis 8; Retinitis pigmentosa 12. Last evaluated: 2026-01-11. Review status: criteria provided, single submitter. Criteria: Invitae Variant Classification Sherloc (09022015). Collection method: clinical testing. Allele origin: germline.

Blueprint Genetics
Classification: Likely benign. Last evaluated: 2024-06-24. Review status: criteria provided, single submitter. Criteria: ACMG Guidelines, 2015. Collection method: clinical testing. Allele origin: germline.

Illumina Laboratory Services, Illumina
Classification: Uncertain significance for Retinitis pigmentosa. Last evaluated: 2018-01-12. Review status: criteria provided, single submitter. Criteria: ICSL Variant Classification Criteria 13 December 2019. Collection method: clinical testing. Allele origin: germline.

Illumina Laboratory Services, Illumina
Classification: Benign for Pigmented paravenous retinochoroidal atrophy. Last evaluated: 2018-01-12. Review status: criteria provided, single submitter. Criteria: ICSL Variant Classification Criteria 13 December 2019. Collection method: clinical testing. Allele origin: germline.
Comment: This variant was observed in the ICSL laboratory as part of a predisposition screen in an ostensibly healthy population. It had not been previously curated by ICSL or reported in the Human Gene Mutation Database (HGMD: prior to June 1st, 2018), and was therefore a candidate for classification through an automated scoring system. Utilizing variant allele frequency, disease prevalence and penetrance estimates, and inheritance mode, an automated score was calculated to assess if this variant is too frequent to cause the disease. Based on the score and internal cut-off values, a variant classified as benign is not then subjected to further curation. The score for this variant resulted in a classification of benign for this disease.

Illumina Laboratory Services, Illumina
Classification: Uncertain significance for Leber congenital amaurosis 8. Last evaluated: 2018-01-12. Review status: criteria provided, single submitter. Criteria: ICSL Variant Classification Criteria 13 December 2019. Collection method: clinical testing. Allele origin: germline.